The following is an entry in ClinVar:

NM_001035.3(RYR2):c.13379A>G (p.Gln4460Arg)

Gene: RYR2 (ryanodine receptor 2; plus strand). Cytogenetic location: 1q43.
Variant type: single nucleotide variant.
Coding change: c.13379A>G on transcript NM_001035.3 (MANE Select); coding-DNA position 13379, A replaced by G.
Protein change: p.Gln4460Arg; replaces glutamine 4460 with arginine.
Molecular consequence: missense variant.
Genome position (GRCh38, 1-based): chr1:237,788,038, A>G. VCF-style: chr1-237788038-A-G. GRCh37 (hg19) VCF-style: chr1-237951338-A-G.
Other names: short protein forms Q4460R.
Identifiers: ClinVar variation 925907 (VCV000925907.21), dbSNP rs762879895, ClinGen allele CA085362.

ClinVar aggregate classification (germline): Conflicting classifications of pathogenicity. Review status: criteria provided, conflicting classifications (1 of 4 stars). 6 submissions from 6 submitters: Uncertain significance (5); Likely benign (1). Last evaluated 2026-01-24.

Conditions:
Catecholaminergic polymorphic ventricular tachycardia 1. Also called: VENTRICULAR TACHYCARDIA, CATECHOLAMINERGIC POLYMORPHIC, 1, WITH OR WITHOUT ATRIAL DYSFUNCTION AND/OR DILATED CARDIOMYOPATHY; VENTRICULAR TACHYCARDIA, STRESS-INDUCED POLYMORPHIC 1; RYR2-Related Catecholaminergic Polymorphic Ventricular Tachycardia. Identifiers: Orphanet 3286, MedGen C1631597, MONDO:0011484, OMIM 604772.
Cardiovascular phenotype. Identifiers: MedGen CN230736.
Cardiomyopathy (CMYO). Also called: Cardiomyopathies. Identifiers: Orphanet 167848, MedGen C0878544, MONDO:0004994, HP:0001638. Inheritance: Various modes of inheritance.
Catecholaminergic polymorphic ventricular tachycardia (CVPT). Also called: Catecholamine-induced polymorphic ventricular tachycardia. Identifiers: Orphanet 3286, MedGen C5574922, MONDO:0017990.

Allele frequency attached by ClinVar (database versions not stated): gnomAD 0.00001; gnomAD exomes 0.00001; ExAC 0.00003.
gnomAD v4.1: 20 of 1,609,140 alleles (0.0012%); highest among the groups gnomAD compares: Admixed American, 0.0017%; no homozygotes.

Submissions (6):

Labcorp Genetics (formerly Invitae), Labcorp
Classification: Uncertain significance for Catecholaminergic polymorphic ventricular tachycardia 1. Last evaluated: 2026-01-24. Review status: criteria provided, single submitter. Criteria: Invitae Variant Classification Sherloc (09022015). Collection method: clinical testing. Allele origin: germline.
Comment: This sequence change replaces glutamine, which is neutral and polar, with arginine, which is basic and polar, at codon 4460 of the RYR2 protein (p.Gln4460Arg). This variant is present in population databases (rs762879895, gnomAD 0.002%). This variant has not been reported in the literature in individuals affected with RYR2-related conditions. ClinVar contains an entry for this variant (Variation ID: 925907). Invitae Evidence Modeling of protein sequence and biophysical properties (such as structural, functional, and spatial information, amino acid conservation, physicochemical variation, residue mobility, and thermodynamic stability) indicates that this missense variant is not expected to disrupt RYR2 protein function with a negative predictive value of 95%. In summary, the available evidence is currently insufficient to determine the role of this variant in disease. Therefore, it has been classified as a Variant of Uncertain Significance.

Color Diagnostics, LLC DBA Color Health
Classification: Likely benign for Cardiomyopathy. Last evaluated: 2025-09-08. Review status: criteria provided, single submitter. Criteria: ACMG Guidelines, 2015. Collection method: clinical testing. Allele origin: germline.

Ambry Genetics
Classification: Uncertain significance for Cardiovascular phenotype. Last evaluated: 2025-04-08. Review status: criteria provided, single submitter. Criteria: Ambry Variant Classification Scheme 2023. Collection method: clinical testing. Allele origin: germline.
Comment: The p.Q4460R variant (also known as c.13379A>G), located in coding exon 92 of the RYR2 gene, results from an A to G substitution at nucleotide position 13379. The glutamine at codon 4460 is replaced by arginine, an amino acid with highly similar properties. This variant has been detected in an exome sequencing cohort; however, details were limited (Landstrom AP et al. Circ Arrhythm Electrophysiol, 2017 Apr;10). This amino acid position is not well conserved in available vertebrate species. In addition, this alteration is predicted to be tolerated by in silico analysis. Since supporting evidence is limited at this time, the clinical significance of this alteration remains unclear.

All of Us Research Program, National Institutes of Health
Classification: Uncertain significance for Catecholaminergic polymorphic ventricular tachycardia. Last evaluated: 2024-06-17. Review status: criteria provided, single submitter. Criteria: ACMG Guidelines, 2015. Collection method: clinical testing. Allele origin: germline. Inheritance: Autosomal dominant inheritance. Observed: 6 variant alleles, 6 heterozygotes.
Comment: This missense variant replaces glutamine with arginine at codon 4460 of the RYR2 protein. Computational prediction suggests that this variant may not impact protein structure and function (internally defined REVEL score threshold <= 0.5, PMID: 27666373). To our knowledge, functional studies have not been reported for this variant. This variant has not been reported in individuals affected with RYR2-related disorders in the literature. This variant has been identified in 2/240588 chromosomes in the general population by the Genome Aggregation Database (gnomAD). The available evidence is insufficient to determine the role of this variant in disease conclusively. Therefore, this variant is classified as a Variant of Uncertain Significance.

This study involves interpretation of variants in research participants for the purpose of population health screening. Participant phenotype was not available at the time of variant classification. Additional details can be found in publication PMID: 35346344, PMCID: PMC8962531

Women's Health and Genetics/Laboratory Corporation of America, LabCorp
Classification: Uncertain significance. Last evaluated: 2022-07-11. Review status: criteria provided, single submitter. Criteria: LabCorp Variant Classification Summary - May 2015. Collection method: clinical testing. Allele origin: germline.
Comment: Variant summary: RYR2 c.13379A>G (p.Gln4460Arg) results in a conservative amino acid change located in the TM 4-6 region (IPR009460) of the encoded protein sequence. Five of five in-silico tools predict a benign effect of the variant on protein function. The variant allele was found at a frequency of 8.3e-06 in 240588 control chromosomes (gnomAD). The available data on variant occurrences in the general population are insufficient to allow any conclusion about variant significance. c.13379A>G has been reported in the literature in a whole exome sequencing cohort without specific phenotypic information provided (Landstrom_2017). This report does not provide unequivocal conclusions about association of the variant with Catecholaminergic Polymorphic Ventricular Tachycardia. To our knowledge, no experimental evidence demonstrating an impact on protein function has been reported. Three clinical diagnostic laboratories have submitted clinical-significance assessments for this variant to ClinVar after 2014, and all laboratories classified the variant as uncertain significance. Based on the evidence outlined above, the variant was classified as uncertain significance.

GeneDx
Classification: Uncertain significance. Last evaluated: 2021-04-16. Review status: criteria provided, single submitter. Criteria: GeneDx Variant Classification Process June 2021. Collection method: clinical testing. Allele origin: germline. Affected: yes.
Comment: Has not been previously published as pathogenic or benign to our knowledge; Reported in ClinVar as a variant of uncertain significance (ClinVar Variant ID# 925907; Landrum et al., 2016); Not observed at a significant frequency in large population cohorts (Lek et al., 2016); In silico analysis, which includes protein predictors and evolutionary conservation, supports that this variant does not alter protein structure/function; Is located in one of the three hot-spot regions of the RYR2 gene, where the majority of pathogenic missense variants occur (Medeiros-Domingo et al., 2009)

Literature cited by the submitters: PubMed 28404607 (cited by Ambry Genetics and Women's Health and Genetics/Laboratory Corporation of America, LabCorp).